The following is an entry in ClinVar:

ClinVar aggregate classification (germline): Uncertain significance (1 of 4 stars; one submission).

Allele frequency attached by ClinVar (database versions not stated): ExAC 0.00001; gnomAD 0.00001; TOPMed 0.00001; ESP Exome Variant Server 0.00008.
gnomAD v4.1: 4 of 1,614,046 alleles (0.00025%); highest among the groups gnomAD compares: Admixed American, 0.005%; no homozygotes.

Submission:

Labcorp Genetics (formerly Invitae), Labcorp
Classification: Uncertain significance. Last evaluated: 2025-03-17. Review status: criteria provided, single submitter. Criteria: Invitae Variant Classification Sherloc (09022015). Collection method: clinical testing. Allele origin: germline.
Comment: This sequence change replaces proline, which is neutral and non-polar, with leucine, which is neutral and non-polar, at codon 174 of the FZD4 protein (p.Pro174Leu). This variant is present in population databases (rs141978964, gnomAD 0.006%). This variant has not been reported in the literature in individuals affected with FZD4-related conditions. ClinVar contains an entry for this variant (Variation ID: 1941733). Invitae Evidence Modeling of protein sequence and biophysical properties (such as structural, functional, and spatial information, amino acid conservation, physicochemical variation, residue mobility, and thermodynamic stability) indicates that this missense variant is not expected to disrupt FZD4 protein function with a negative predictive value of 80%. In summary, the available evidence is currently insufficient to determine the role of this variant in disease. Therefore, it has been classified as a Variant of Uncertain Significance.

NM_012193.4(FZD4):c.521C>T (p.Pro174Leu)

Genes: FZD4 (frizzled class receptor 4; minus strand), PRSS23 (serine protease 23; plus strand). Cytogenetic location: 11q14.2.
Variant type: single nucleotide variant.
Coding change: c.521C>T on transcript NM_012193.4 (MANE Select); coding-DNA position 521, C replaced by T.
Protein change: p.Pro174Leu; replaces proline 174 with leucine.
Molecular consequence: missense variant. On other transcripts: non-coding transcript variant (2).
Genome position (GRCh38, 1-based): chr11:86,952,235, G>A on the plus strand (C>T on the coding strand, the complement: FZD4 is on the minus strand). VCF-style: chr11-86952235-G-A. GRCh37 (hg19) VCF-style: chr11-86663277-G-A.
Other names: short protein forms P174L.
Identifiers: ClinVar variation 1941733 (VCV001941733.5), dbSNP rs141978964, ClinGen allele CA6218448.
Genomic context (GRCh38, chr11:86,952,235, plus strand): 5'-ACCCAGATGTACTGATCAGAATTGGTTCCCACAGAGTGACACTCTTCCCCAGGCTGGATG[G>A]GGGTTTTGTGAGGTAAGGGCACCTCTTCATCACCTGGCCCTTCCATGCACATGTGGTTGT-3'
Protein context (NP_036325.2, residues 164-184): DEEVPLPHKT[Pro174Leu]IQPGEECHSV